The following is an entry in ClinVar:

ClinVar aggregate classification (germline): Uncertain significance (1 of 4 stars; one submission).

Allele frequency attached by ClinVar (database versions not stated): gnomAD exomes below 0.00001.

Submission:

Labcorp Genetics (formerly Invitae), Labcorp
Classification: Uncertain significance. Last evaluated: 2021-06-14. Review status: criteria provided, single submitter. Criteria: Invitae Variant Classification Sherloc (09022015). Collection method: clinical testing. Allele origin: germline.
Comment: In summary, the available evidence is currently insufficient to determine the role of this variant in disease. Therefore, it has been classified as a Variant of Uncertain Significance. Algorithms developed to predict the effect of missense changes on protein structure and function (SIFT, PolyPhen-2, Align-GVGD) all suggest that this variant is likely to be tolerated, but these predictions have not been confirmed by published functional studies and their clinical significance is uncertain. This variant has not been reported in the literature in individuals with TNFRSF11A-related conditions. This variant is not present in population databases (ExAC no frequency). This sequence change replaces aspartic acid with asparagine at codon 456 of the TNFRSF11A protein (p.Asp456Asn). The aspartic acid residue is moderately conserved and there is a small physicochemical difference between aspartic acid and asparagine.

NM_003839.4(TNFRSF11A):c.1366G>A (p.Asp456Asn)

Gene: TNFRSF11A (TNF receptor superfamily member 11a; plus strand). Cytogenetic location: 18q21.33.
Variant type: single nucleotide variant.
Coding change: c.1366G>A on transcript NM_003839.4 (MANE Select); coding-DNA position 1366, G replaced by A.
Protein change: p.Asp456Asn; replaces aspartic acid 456 with asparagine.
Molecular consequence: missense variant. On other transcripts: intron variant (3).
Genome position (GRCh38, 1-based): chr18:62,369,283, G>A. VCF-style: chr18-62369283-G-A. GRCh37 (hg19) VCF-style: chr18-60036516-G-A.
Other names: c.1324G>A, p.Asp442Asn (NM_001278268.2); c.783+2523G>A (NM_001270949.2); c.730+7490G>A (NM_001270950.2); c.616+9234G>A (NM_001270951.2); short protein forms D442N, D456N.
Identifiers: ClinVar variation 1399126 (VCV001399126.8), dbSNP rs764039876, ClinGen allele CA301704392.